The following is an entry in ClinVar:

NM_000147.5(FUCA1):c.857A>G (p.Gln286Arg)

Gene: FUCA1 (alpha-L-fucosidase 1; minus strand). Cytogenetic location: 1p36.11.
Variant type: single nucleotide variant.
Coding change: c.857A>G on transcript NM_000147.5 (MANE Select); coding-DNA position 857, A replaced by G.
Protein change: p.Gln286Arg; replaces glutamine 286 with arginine.
Molecular consequence: missense variant.
Genome position (GRCh38, 1-based): chr1:23,854,472, T>C on the plus strand (A>G on the coding strand, the complement: FUCA1 is on the minus strand). VCF-style: chr1-23854472-T-C. GRCh37 (hg19) VCF-style: chr1-24180962-T-C.
Other names: FUCA1, GLN281ARG; short protein forms Q286R.
Identifiers: ClinVar variation 691 (VCV000000691.20), dbSNP rs13551, ClinGen allele CA114444.

ClinVar aggregate classification (germline): Benign/Likely benign. Review status: criteria provided, multiple submitters, no conflicts (2 of 4 stars). 8 submissions from 8 submitters: Benign (5); Likely benign (1). 2 of the submissions do not count toward it. Last evaluated 2026-02-04.

Conditions:
Fucosidosis. Also called: ALPHA-L-FUCOSIDASE DEFICIENCY. Identifiers: Orphanet 349, MedGen C0016788, MONDO:0009254, OMIM 230000.
FU1/FU2 POLYMORPHISM.

Allele frequency attached by ClinVar (database versions not stated): 1000 Genomes Project 30x 0.20846; 1000 Genomes Project 0.21126; TOPMed 0.25393; gnomAD 0.26707 and 0.27120; ExAC 0.27912; gnomAD exomes 0.27920 and 0.31542.
gnomAD v4.1: 501,194 of 1,613,656 alleles (31%); highest among the groups gnomAD compares: Non-Finnish European, 34%; 81,648 homozygotes.

Submissions (8):

Labcorp Genetics (formerly Invitae), Labcorp
Classification: Benign for Fucosidosis. Last evaluated: 2026-02-04. Review status: criteria provided, single submitter. Criteria: Invitae Variant Classification Sherloc (09022015). Collection method: clinical testing. Allele origin: germline.

Blueprint Genetics
Classification: Likely benign. Last evaluated: 2024-11-26. Review status: criteria provided, single submitter. Criteria: ACMG Guidelines, 2015. Collection method: clinical testing. Allele origin: germline.

GeneDx
Classification: Benign. Last evaluated: 2018-06-13. Review status: criteria provided, single submitter. Criteria: GeneDx Variant Classification (06012015). Collection method: clinical testing. Allele origin: germline. Affected: yes.
Comment: This variant is considered likely benign or benign based on one or more of the following criteria: it is a conservative change, it occurs at a poorly conserved position in the protein, it is predicted to be benign by multiple in silico algorithms, and/or has population frequency not consistent with disease.

Illumina Laboratory Services, Illumina
Classification: Benign for Fucosidosis. Last evaluated: 2018-01-13. Review status: criteria provided, single submitter. Criteria: ICSL Variant Classification Criteria 13 December 2019. Collection method: clinical testing. Allele origin: germline.
Comment: This variant was observed in the ICSL laboratory as part of a predisposition screen in an ostensibly healthy population. It had not been previously curated by ICSL or reported in the Human Gene Mutation Database (HGMD: prior to June 1st, 2018), and was therefore a candidate for classification through an automated scoring system. Utilizing variant allele frequency, disease prevalence and penetrance estimates, and inheritance mode, an automated score was calculated to assess if this variant is too frequent to cause the disease. Based on the score and internal cut-off values, a variant classified as benign is not then subjected to further curation. The score for this variant resulted in a classification of benign for this disease.

Women's Health and Genetics/Laboratory Corporation of America, LabCorp
Classification: Benign. Last evaluated: 2017-05-02. Review status: criteria provided, single submitter. Criteria: LabCorp Variant Classification Summary - May 2015. Collection method: clinical testing. Allele origin: germline.
Comment: Variant summary: The FUCA1 c.857A>G (p.Gln286Arg) variant involves the alteration of a non-conserved nucleotide. 3/4 in silico tools predict a benign outcome for this variant, however experimental findings confirmed, that Q289R retained its functional activity. This variant was found in 33884/121394 control chromosomes (5299 homozygotes) at a frequency of 0.2791242, which is approximately 250 times the estimated maximal expected allele frequency of a pathogenic FUCA1 variant (0.001118), strong evidence that this variant is a benign polymorphism. The variant has been reported in the literature in affected individuals who also carry known pathogenic FUCA1 variants, and has been shown to be present in the homozygous state in numerous unaffected relatives, indicating the variant does not segregate with disease. In addition, multiple clinical diagnostic laboratories/reputable databases classified this variant as benign. Taken together, this variant is classified as benign.

Breakthrough Genomics
Classification: Benign. Review status: criteria provided, single submitter. Criteria: ACMG Guidelines, 2015. Collection method: not provided. Allele origin: germline. Inheritance: Autosomal recessive inheritance. Affected: yes.

Mayo Clinic Laboratories, Mayo Clinic
Classification: Benign. Last evaluated: 2015-10-22. Review status: no assertion criteria provided. Collection method: clinical testing. Allele origin: unknown. Not counted in ClinVar's aggregate classification.

OMIM
Classification: Benign for FU1/FU2 POLYMORPHISM. Last evaluated: 1994-08-01. Review status: no assertion criteria provided. Collection method: literature only. Allele origin: germline. Not counted in ClinVar's aggregate classification.

Literature cited by the submitters: PubMed 8504303 (cited by Women's Health and Genetics/Laboratory Corporation of America, LabCorp); PubMed 17427030 (cited by Women's Health and Genetics/Laboratory Corporation of America, LabCorp); PubMed 7815431 (cited by OMIM).